The following is an entry in ClinVar:

NM_000238.4(KCNH2):c.724C>T (p.Arg242Cys)

Gene: KCNH2 (potassium voltage-gated channel subfamily H member 2; minus strand). Cytogenetic location: 7q36.1.
Variant type: single nucleotide variant.
Coding change: c.724C>T on transcript NM_000238.4 (MANE Select); coding-DNA position 724, C replaced by T.
Protein change: p.Arg242Cys; replaces arginine 242 with cysteine.
Molecular consequence: missense variant.
Genome position (GRCh38, 1-based): chr7:150,958,251, G>A on the plus strand (C>T on the coding strand, the complement: KCNH2 is on the minus strand). VCF-style: chr7-150958251-G-A. GRCh37 (hg19) VCF-style: chr7-150655339-G-A.
Other names: c.436C>T, p.Arg146Cys (NM_001406753.1, NM_001406756.1); c.547C>T, p.Arg183Cys (NM_001406755.1); c.424C>T, p.Arg142Cys (NM_001406757.1); c.724C>T, p.Arg242Cys (NM_172056.3); short protein forms R242C, R146C, R183C, R142C.
Identifiers: ClinVar variation 652662 (VCV000652662.7), dbSNP rs199472872, ClinGen allele CA369862704.

ClinVar aggregate classification (germline): Uncertain significance. Review status: criteria provided, multiple submitters, no conflicts (2 of 4 stars). 2 submissions from 2 submitters: Uncertain significance (2). Last evaluated 2025-03-04.

Conditions:
Cardiovascular phenotype. Identifiers: MedGen CN230736.
Long QT syndrome (LQTS). Identifiers: MedGen C0023976, MeSH D008133, MONDO:0002442. Disease mechanism: loss of function. Inheritance: Various modes of inheritance.

Allele frequency attached by ClinVar (database versions not stated): gnomAD exomes 0.00002; TOPMed 0.00002; gnomAD 0.00003.

Submissions (2):

Ambry Genetics
Classification: Uncertain significance for Cardiovascular phenotype. Last evaluated: 2025-03-04. Review status: criteria provided, single submitter. Criteria: Ambry Variant Classification Scheme 2023. Collection method: clinical testing. Allele origin: germline.
Comment: The p.R242C variant (also known as c.724C>T), located in coding exon 4 of the KCNH2 gene, results from a C to T substitution at nucleotide position 724. The arginine at codon 242 is replaced by cysteine, an amino acid with highly dissimilar properties. This amino acid position is poorly conserved in available vertebrate species. In addition, this alteration is predicted to be tolerated by in silico analysis. Based on the available evidence, the clinical significance of this variant remains unclear.

Labcorp Genetics (formerly Invitae), Labcorp
Classification: Uncertain significance for Long QT syndrome. Last evaluated: 2023-10-18. Review status: criteria provided, single submitter. Criteria: Invitae Variant Classification Sherloc (09022015). Collection method: clinical testing. Allele origin: germline.
Comment: This sequence change replaces arginine, which is basic and polar, with cysteine, which is neutral and slightly polar, at codon 242 of the KCNH2 protein (p.Arg242Cys). The frequency data for this variant in the population databases is considered unreliable, as metrics indicate poor data quality at this position in the gnomAD database. This variant has not been reported in the literature in individuals affected with KCNH2-related conditions. ClinVar contains an entry for this variant (Variation ID: 652662). An algorithm developed to predict the effect of missense changes on protein structure and function (PolyPhen-2) suggests that this variant¬†is likely to be tolerated. In summary, the available evidence is currently insufficient to determine the role of this variant in disease. Therefore, it has been classified as a Variant of Uncertain Significance.